The following is an entry in ClinVar:

NM_000082.4(ERCC8):c.*439G>T

Gene: ERCC8 (ERCC excision repair 8, CSA ubiquitin ligase complex subunit; minus strand). Cytogenetic location: 5q12.1.
Variant type: single nucleotide variant.
Coding change: c.*439G>T on transcript NM_000082.4 (MANE Select); 439 bases downstream of the stop codon, G replaced by T.
Molecular consequence: 3 prime UTR variant.
Genome position (GRCh38, 1-based): chr5:60,874,176, C>A on the plus strand (G>T on the coding strand, the complement: ERCC8 is on the minus strand). VCF-style: chr5-60874176-C-A. GRCh37 (hg19) VCF-style: chr5-60170003-C-A.
Other names: c.*439G>T (NM_001007233.3, NM_001290285.2).
Identifiers: ClinVar variation 354008 (VCV000354008.6), dbSNP rs4647155, ClinGen allele CA10622066.

ClinVar aggregate classification (germline): Benign. Review status: criteria provided, multiple submitters, no conflicts (2 of 4 stars). 2 submissions from 2 submitters: Benign (2). Last evaluated 2018-01-13.

Conditions:
Cockayne syndrome type 1. Also called: Cockayne syndrome type I; Cockayne syndrome classical; Cockayne syndrome classic form. Identifiers: Orphanet 191, Orphanet 90321, MedGen C0751039, MONDO:0019569, OMIM 216400.

Allele frequency attached by ClinVar (database versions not stated): gnomAD exomes 0.01109; gnomAD 0.08646 and 0.09291; 1000 Genomes Project 0.08766; 1000 Genomes Project 30x 0.09354; TOPMed 0.09688.
gnomAD v4.1: 13,037 of 154,122 alleles (8.5%); highest among the groups gnomAD compares: African/African-American, 30%; 1,898 homozygotes.

Submissions (2):

Illumina Laboratory Services, Illumina
Classification: Benign for Cockayne syndrome type 1. Last evaluated: 2018-01-13. Review status: criteria provided, single submitter. Criteria: ICSL Variant Classification Criteria 13 December 2019. Collection method: clinical testing. Allele origin: germline.
Comment: This variant was observed in the ICSL laboratory as part of a predisposition screen in an ostensibly healthy population. It had not been previously curated by ICSL or reported in the Human Gene Mutation Database (HGMD: prior to June 1st, 2018), and was therefore a candidate for classification through an automated scoring system. Utilizing variant allele frequency, disease prevalence and penetrance estimates, and inheritance mode, an automated score was calculated to assess if this variant is too frequent to cause the disease. Based on the score and internal cut-off values, a variant classified as benign is not then subjected to further curation. The score for this variant resulted in a classification of benign for this disease.

Breakthrough Genomics
Classification: Benign. Review status: criteria provided, single submitter. Criteria: ACMG Guidelines, 2015. Collection method: not provided. Allele origin: germline. Inheritance: Autosomal recessive inheritance. Affected: yes.